The following is an entry in ClinVar:

NM_004187.5(KDM5C):c.1687C>G (p.Leu563Val)

Gene: KDM5C (lysine demethylase 5C; minus strand). Cytogenetic location: Xp11.22.
Variant type: single nucleotide variant.
Coding change: c.1687C>G on transcript NM_004187.5 (MANE Select); coding-DNA position 1687, C replaced by G.
Protein change: p.Leu563Val; replaces leucine 563 with valine.
Molecular consequence: missense variant. On other transcripts: non-coding transcript variant (3).
Genome position (GRCh38, 1-based): chrX:53,210,473, G>C on the plus strand (C>G on the coding strand, the complement: KDM5C is on the minus strand). VCF-style: chrX-53210473-G-C. GRCh37 (hg19) VCF-style: chrX-53239655-G-C.
Other names: c.1486C>G, p.Leu496Val (NM_001146702.2); c.1684C>G, p.Leu562Val (NM_001282622.3, NM_001353979.2, NM_001353982.2); c.1687C>G, p.Leu563Val (NM_001353978.3, NM_001353981.2, NM_001353984.2); short protein forms L496V, L562V, L563V.
Identifiers: ClinVar variation 1309407 (VCV001309407.2), dbSNP rs2146914218, ClinGen allele CA413127400.

ClinVar aggregate classification (germline): Uncertain significance (1 of 4 stars; one submission).

Submission:

GeneDx
Classification: Uncertain significance. Last evaluated: 2019-10-30. Review status: criteria provided, single submitter. Criteria: GeneDx Variant Classification Process June 2021. Collection method: clinical testing. Allele origin: germline. Affected: yes.
Comment: Not observed in large population cohorts (Lek et al., 2016); In silico analysis, which includes protein predictors and evolutionary conservation, supports a deleterious effect; Has not been previously published as pathogenic or benign to our knowledge